The following is an entry in ClinVar:

ClinVar aggregate classification (germline): Uncertain significance (1 of 4 stars; one submission).

Allele frequency attached by ClinVar (database versions not stated): gnomAD exomes below 0.00001; TOPMed below 0.00001; ExAC 0.00001.
gnomAD v4.1: 2 of 1,588,120 alleles (0.00013%); highest among the groups gnomAD compares: Admixed American, 0.0017%; no homozygotes.

Submission:

Labcorp Genetics (formerly Invitae), Labcorp
Classification: Uncertain significance. Last evaluated: 2023-12-10. Review status: criteria provided, single submitter. Criteria: Invitae Variant Classification Sherloc (09022015). Collection method: clinical testing. Allele origin: germline.
Comment: This sequence change replaces glutamic acid, which is acidic and polar, with lysine, which is basic and polar, at codon 192 of the TAOK2 protein (p.Glu192Lys). This variant is present in population databases (rs767951266, gnomAD 0.003%). This variant has not been reported in the literature in individuals affected with TAOK2-related conditions. An algorithm developed to predict the effect of missense changes on protein structure and function (PolyPhen-2) suggests that this variant is likely to be disruptive. In summary, the available evidence is currently insufficient to determine the role of this variant in disease. Therefore, it has been classified as a Variant of Uncertain Significance.

NM_016151.4(TAOK2):c.574G>A (p.Glu192Lys)

Gene: TAOK2 (TAO kinase 2; plus strand). Cytogenetic location: 16p11.2.
Variant type: single nucleotide variant.
Coding change: c.574G>A on transcript NM_016151.4 (MANE Select); coding-DNA position 574, G replaced by A.
Protein change: p.Glu192Lys; replaces glutamic acid 192 with lysine.
Molecular consequence: missense variant.
Genome position (GRCh38, 1-based): chr16:29,979,427, G>A. VCF-style: chr16-29979427-G-A. GRCh37 (hg19) VCF-style: chr16-29990748-G-A.
Other names: c.574G>A, p.Glu192Lys (NM_001252043.2, NM_004783.4); short protein forms E192K.
Identifiers: ClinVar variation 2766030 (VCV002766030.3), dbSNP rs767951266, ClinGen allele CA7997857.
Genomic context (GRCh38, chr16:29,979,427, plus strand): 5'-GACAGGGTCTCGGCGGGTGATTTGCCTCTCTCTCCTGACCATTCTCCTAGGATGGCACCC[G>A]AGGTGATCCTGGCCATGGATGAGGGGCAGTACGATGGCAAAGTGGACGTCTGGTCCTTGG-3'
Protein context (NP_057235.2, residues 182-202): FVGTPYWMAP[Glu192Lys]VILAMDEGQY